The following is an entry in ClinVar:

ClinVar aggregate classification (germline): Uncertain significance (1 of 4 stars; one submission).

Allele frequency attached by ClinVar (database versions not stated): gnomAD exomes below 0.00001; ExAC 0.00002.

Submission:

Labcorp Genetics (formerly Invitae), Labcorp
Classification: Uncertain significance. Last evaluated: 2023-08-31. Review status: criteria provided, single submitter. Criteria: Invitae Variant Classification Sherloc (09022015). Collection method: clinical testing. Allele origin: germline.
Comment: In summary, the available evidence is currently insufficient to determine the role of this variant in disease. Therefore, it has been classified as a Variant of Uncertain Significance. Experimental studies and prediction algorithms are not available or were not evaluated, and the functional significance of this variant is currently unknown. This variant has not been reported in the literature in individuals affected with TOPORS-related conditions. This variant is present in population databases (rs781367454, gnomAD 0.002%). This sequence change creates a premature translational stop signal (p.Gln1011*) in the TOPORS gene. While this is not anticipated to result in nonsense mediated decay, it is expected to disrupt the last 35 amino acid(s) of the TOPORS protein.

NM_005802.5(TOPORS):c.3031C>T (p.Gln1011Ter)

Gene: TOPORS (TOP1 binding arginine/serine rich protein, E3 ubiquitin ligase; minus strand). Cytogenetic location: 9p21.1.
Variant type: single nucleotide variant.
Coding change: c.3031C>T on transcript NM_005802.5 (MANE Select); coding-DNA position 3031, C replaced by T.
Protein change: p.Gln1011Ter; replaces glutamine 1011 with a stop codon.
Molecular consequence: nonsense.
Genome position (GRCh38, 1-based): chr9:32,541,494, G>A on the plus strand (C>T on the coding strand, the complement: TOPORS is on the minus strand). VCF-style: chr9-32541494-G-A. GRCh37 (hg19) VCF-style: chr9-32541492-G-A.
Other names: c.2836C>T, p.Gln946Ter (NM_001195622.2); short protein forms Q1011*, Q946*.
Identifiers: ClinVar variation 3008510 (VCV003008510.3), dbSNP rs781367454, ClinGen allele CA5020281.